The following is an entry in ClinVar:

ClinVar aggregate classification (germline): Likely pathogenic (1 of 4 stars; one submission).

gnomAD v4.1: 4 of 1,613,232 alleles (0.00025%); highest among the groups gnomAD compares: Non-Finnish European, 0.00034%; no homozygotes.

Submission:

Labcorp Genetics (formerly Invitae), Labcorp
Classification: Likely pathogenic. Last evaluated: 2025-04-17. Review status: criteria provided, single submitter. Criteria: Invitae Variant Classification Sherloc (09022015). Collection method: clinical testing. Allele origin: germline.
Comment: This sequence change affects an acceptor splice site in intron 50 of the DNAH9 gene. It is expected to disrupt RNA splicing. Variants that disrupt the donor or acceptor splice site typically lead to a loss of protein function (PMID: 16199547), and loss-of-function variants in DNAH9 are known to be pathogenic (PMID: 30471718). This variant is present in population databases (rs372234588, gnomAD 0.0009%). This variant has not been reported in the literature in individuals affected with DNAH9-related conditions. Algorithms developed to predict the effect of sequence changes on RNA splicing suggest that this variant may disrupt the consensus splice site. In summary, the currently available evidence indicates that the variant is pathogenic, but additional data are needed to prove that conclusively. Therefore, this variant has been classified as Likely Pathogenic.

Literature cited by the submitters: PubMed 16199547; PubMed 30471718.

NM_001372.4(DNAH9):c.9934-1G>T

Gene: DNAH9 (dynein axonemal heavy chain 9; plus strand). Cytogenetic location: 17p12.
Variant type: single nucleotide variant.
Coding change: c.9934-1G>T on transcript NM_001372.4 (MANE Select); the canonical splice acceptor site of the intron before coding-DNA position 9934, G replaced by T.
Molecular consequence: splice acceptor variant.
Genome position (GRCh38, 1-based): chr17:11,869,133, G>T. VCF-style: chr17-11869133-G-T. GRCh37 (hg19) VCF-style: chr17-11772450-G-T.
Identifiers: ClinVar variation 4778004 (VCV004778004.1).